The following is an entry in ClinVar:

ClinVar aggregate classification (germline): Likely pathogenic (1 of 4 stars; one submission).

Conditions:
COL11A2-related disorder. Also called: COL11A2-related condition; COL11A2-related disorders.

Submission:

PreventionGenetics, part of Exact Sciences
Classification: Likely pathogenic for COL11A2-related condition. Last evaluated: 2023-07-06. Review status: criteria provided, single submitter. Criteria: ACMG Guidelines, 2015. Collection method: clinical testing. Allele origin: germline.
Comment: The COL11A2 c.3422G>C variant is predicted to result in the amino acid substitution p.Gly1141Ala. To our knowledge, this variant has not been reported in the literature or in a large population database, indicating this variant is rare. The p.Gly1141 amino acid is located in the conserved Gly-Xaa-Yaa triple helical domain where substitutions of a glycine are usually pathogenic (Vuristo et al. 1995. PubMed ID: 7559422; Chen et al. 2005. PubMed ID: 16033917). We interpret the variant as likely pathogenic.

NM_080680.3(COL11A2):c.3422G>C (p.Gly1141Ala)

Gene: COL11A2 (collagen type XI alpha 2 chain; minus strand). Cytogenetic location: 6p21.32.
Variant type: single nucleotide variant.
Coding change: c.3422G>C on transcript NM_080680.3 (MANE Select); coding-DNA position 3422, G replaced by C.
Protein change: p.Gly1141Ala; replaces glycine 1141 with alanine.
Molecular consequence: missense variant.
Genome position (GRCh38, 1-based): chr6:33,170,862, C>G on the plus strand (G>C on the coding strand, the complement: COL11A2 is on the minus strand). VCF-style: chr6-33170862-C-G. GRCh37 (hg19) VCF-style: chr6-33138639-C-G.
Other names: c.3242G>C, p.Gly1081Ala (NM_001424108.1); c.2576G>C, p.Gly859Ala (NM_001424109.1); c.2396G>C, p.Gly799Ala (NM_001424110.1, NM_001424111.1); c.1376G>C, p.Gly459Ala (NM_001424112.1); c.3101G>C, p.Gly1034Ala (NM_080679.3); c.3164G>C, p.Gly1055Ala (NM_080681.3); short protein forms G1034A, G1055A, G1081A, G1141A, G459A, G799A, G859A.
Identifiers: ClinVar variation 2631555 (VCV002631555.1), dbSNP rs2534796103, ClinGen allele CA363631476.